The following is an entry in ClinVar:

ClinVar aggregate classification (germline): Uncertain significance (1 of 4 stars; one submission).

Submission:

GeneDx
Classification: Uncertain significance. Last evaluated: 2025-01-24. Review status: criteria provided, single submitter. Criteria: GeneDx Variant Classification Process June 2021. Collection method: clinical testing. Allele origin: germline.
Comment: Not observed at significant frequency in large population cohorts (gnomAD); In silico analysis supports that this missense variant has a deleterious effect on protein structure/function; Has not been previously published as pathogenic or benign to our knowledge

NM_001002295.2(GATA3):c.788A>G (p.Glu263Gly)

Gene: GATA3 (GATA binding protein 3; plus strand). Cytogenetic location: 10p14.
Variant type: single nucleotide variant.
Coding change: c.788A>G on transcript NM_001002295.2 (MANE Select); coding-DNA position 788, A replaced by G.
Protein change: p.Glu263Gly; replaces glutamic acid 263 with glycine.
Molecular consequence: missense variant.
Genome position (GRCh38, 1-based): chr10:8,064,002, A>G. VCF-style: chr10-8064002-A-G. GRCh37 (hg19) VCF-style: chr10-8105965-A-G.
Other names: c.785A>G, p.Glu262Gly (NM_002051.3); short protein forms E262G, E263G.
Identifiers: ClinVar variation 3391593 (VCV003391593.2).